The following is an entry in ClinVar:

ClinVar aggregate classification (germline): Conflicting classifications of pathogenicity. Review status: criteria provided, conflicting classifications (1 of 4 stars). 3 submissions from 3 submitters: Uncertain significance (1); Likely benign (2). Last evaluated 2025-08-10.

Conditions:
Retinoblastoma (RB1). Also called: RETINOBLASTOMA, SOMATIC. Identifiers: Orphanet 790, MedGen C0035335, MeSH D012175, MONDO:0008380, OMIM 180200, HP:0009919. Disease mechanism: loss of function. Inheritance: Both sporadic and heritable forms are tested..
Hereditary cancer-predisposing syndrome. Also called: Neoplastic Syndromes, Hereditary; Tumor predisposition; Hereditary Cancer Syndrome; Hereditary neoplastic syndrome. Identifiers: Orphanet 140162, MedGen C0027672, MeSH D009386, MONDO:0015356.

Allele frequency attached by ClinVar (database versions not stated): gnomAD exomes below 0.00001.
gnomAD v4.1: 1 of 1,574,212 alleles (0.000064%); highest among the groups gnomAD compares: African/African-American, 0.0014%; no homozygotes.

Submissions (3):

Labcorp Genetics (formerly Invitae), Labcorp
Classification: Likely benign for Retinoblastoma. Last evaluated: 2025-08-10. Review status: criteria provided, single submitter. Criteria: Invitae Variant Classification Sherloc (09022015). Collection method: clinical testing. Allele origin: germline.

Ambry Genetics
Classification: Uncertain significance for Hereditary cancer-predisposing syndrome. Last evaluated: 2024-06-26. Review status: criteria provided, single submitter. Criteria: Ambry Variant Classification Scheme 2023. Collection method: clinical testing. Allele origin: germline.
Comment: The c.2490-5G>A intronic variant results from a G to A substitution 5 nucleotides upstream from coding exon 24 in the RB1 gene. This nucleotide position is not well conserved in available vertebrate species. In silico splice site analysis predicts that this alteration will not have any significant effect on splicing; however, direct evidence is insufficient at this time (Ambry internal data). Based on the available evidence, the clinical significance of this variant remains unclear.

All of Us Research Program, National Institutes of Health
Classification: Likely benign for Retinoblastoma. Last evaluated: 2024-02-22. Review status: criteria provided, single submitter. Criteria: ACMG Guidelines, 2015. Collection method: clinical testing. Allele origin: germline. Inheritance: Autosomal dominant inheritance. Observed: 1 variant allele, 1 heterozygote.
Comment: This study involves interpretation of variants in research participants for the purpose of population health screening. Participant phenotype was not available at the time of variant classification. Additional details can be found in publication PMID: 35346344, PMCID: PMC8962531

NM_000321.3(RB1):c.2490-5G>A

Gene: RB1 (RB transcriptional corepressor 1; plus strand). Cytogenetic location: 13q14.2.
Variant type: single nucleotide variant.
Coding change: c.2490-5G>A on transcript NM_000321.3 (MANE Select); 5 bases into the intron before coding-DNA position 2490, G replaced by A.
Molecular consequence: intron variant.
Genome position (GRCh38, 1-based): chr13:48,473,355, G>A. VCF-style: chr13-48473355-G-A. GRCh37 (hg19) VCF-style: chr13-49047491-G-A.
Identifiers: ClinVar variation 821354 (VCV000821354.14), dbSNP rs1593544633, ClinGen allele CA915948575.